The following is an entry in ClinVar:

NM_000094.4(COL7A1):c.5076_5086del (p.Lys1693fs)

Gene: COL7A1 (collagen type VII alpha 1 chain; minus strand). Cytogenetic location: 3p21.31.
Variant type: Deletion.
Coding change: c.5076_5086del on transcript NM_000094.4 (MANE Select); coding-DNA positions 5076 to 5086, 11 bases deleted (CAAGGGTGACC).
Protein change: p.Lys1693fs; shifts the reading frame from lysine 1693.
Molecular consequence: frameshift variant.
Genome position (GRCh38, 1-based): chr3:48,580,311-48,580,321, GGTCACCCTTG deleted on the plus strand (CAAGGGTGACC on the coding strand, the reverse complement: COL7A1 is on the minus strand); deleting any 11 consecutive bases within chr3:48,580,311-48,580,325 gives the same sequence; the c. name uses the placement nearest the transcript's 3' end. VCF-style (leftmost placement, unchanged base first): chr3-48580310-CGGTCACCCTTG-C. GRCh37 (hg19) VCF-style: chr3-48617743-CGGTCACCCTTG-C.
Other names: short protein forms K1693fs.
Identifiers: ClinVar variation 3695410 (VCV003695410.2).

ClinVar aggregate classification (germline): Pathogenic (1 of 4 stars; one submission).

Submission:

Labcorp Genetics (formerly Invitae), Labcorp
Classification: Pathogenic. Last evaluated: 2024-04-22. Review status: criteria provided, single submitter. Criteria: Invitae Variant Classification Sherloc (09022015). Collection method: clinical testing. Allele origin: germline.
Comment: This sequence change creates a premature translational stop signal (p.Lys1693Trpfs*39) in the COL7A1 gene. It is expected to result in an absent or disrupted protein product. Loss-of-function variants in COL7A1 are known to be pathogenic (PMID: 16971478). This variant is not present in population databases (gnomAD no frequency). This variant has not been reported in the literature in individuals affected with COL7A1-related conditions. For these reasons, this variant has been classified as Pathogenic.

Literature cited by the submitters: PubMed 16971478.